The following is an entry in ClinVar:

NM_015631.6(TCTN3):c.367C>A (p.Pro123Thr)

Gene: TCTN3 (tectonic family member 3; minus strand). Cytogenetic location: 10q24.1.
Variant type: single nucleotide variant.
Coding change: c.367C>A on transcript NM_015631.6 (MANE Select); coding-DNA position 367, C replaced by A.
Protein change: p.Pro123Thr; replaces proline 123 with threonine.
Molecular consequence: missense variant.
Genome position (GRCh38, 1-based): chr10:95,693,366, G>T on the plus strand (C>A on the coding strand, the complement: TCTN3 is on the minus strand). VCF-style: chr10-95693366-G-T. GRCh37 (hg19) VCF-style: chr10-97453123-G-T.
Other names: c.421C>A, p.Pro141Thr (NM_001013840.1); c.367C>A, p.Pro123Thr (NM_001143973.2, NM_001410982.1); short protein forms P123T, P141T.
Identifiers: ClinVar variation 2192252 (VCV002192252.4), dbSNP rs1476594866, ClinGen allele CA377712441.
Genomic context (GRCh38, chr10:95,693,366, plus strand): 5'-GTAGGCCCCAAACCCCTTTAGGATTCAGTCTGAGCAACGAAGCTCACCTTACGCTGCCTG[G>T]AAGGCAGAAGGAGAAAACTGTCCTCGGATGGAGAAGATAGCAGTCCCTGTCGCAGCAGCA-3'
Protein context (NP_056446.4, residues 113-133): HPRTVFSFCL[Pro123Thr]GSVRSSSWVC

ClinVar aggregate classification (germline): Uncertain significance (1 of 4 stars; one submission).

Conditions:
Joubert syndrome 18 (JBTS18). Identifiers: Orphanet 2754, MedGen C3553758, MONDO:0013896, OMIM 614815.
Orofacial-digital syndrome IV (OFD4). Also called: BARAITSER-BURN SYNDROME; OFD SYNDROME WITH TIBIAL DEFECTS; OFD SYNDROME, BARAITSER-BURN TYPE; OFDS IV; ORAL-FACIAL-DIGITAL SYNDROME, TYPE IV; Orofaciodigital syndrome IV. Identifiers: Orphanet 2753, MedGen C0406727, MONDO:0009794, OMIM 258860.

Allele frequency attached by ClinVar (database versions not stated): gnomAD exomes below 0.00001; TOPMed 0.00001.
gnomAD v4.1: 1 of 1,551,858 alleles (0.000064%); highest among the groups gnomAD compares: Admixed American, 0.002%; no homozygotes.

Submission:

Labcorp Genetics (formerly Invitae), Labcorp
Classification: Uncertain significance for Joubert syndrome 18; Orofacial-digital syndrome IV. Last evaluated: 2022-10-04. Review status: criteria provided, single submitter. Criteria: Invitae Variant Classification Sherloc (09022015). Collection method: clinical testing. Allele origin: germline.
Comment: This variant is present in population databases (no rsID available, gnomAD 0.004%). In summary, the available evidence is currently insufficient to determine the role of this variant in disease. Therefore, it has been classified as a Variant of Uncertain Significance. Advanced modeling of protein sequence and biophysical properties (such as structural, functional, and spatial information, amino acid conservation, physicochemical variation, residue mobility, and thermodynamic stability) has been performed at Invitae for this missense variant, however the output from this modeling did not meet the statistical confidence thresholds required to predict the impact of this variant on TCTN3 protein function. This variant has not been reported in the literature in individuals affected with TCTN3-related conditions. This sequence change replaces proline, which is neutral and non-polar, with threonine, which is neutral and polar, at codon 123 of the TCTN3 protein (p.Pro123Thr).